The following is an entry in ClinVar:

NM_000551.4(VHL):c.129C>T (p.Ser43=)

Gene: VHL (von Hippel-Lindau tumor suppressor; plus strand). Cytogenetic location: 3p25.3.
Variant type: single nucleotide variant.
Coding change: c.129C>T on transcript NM_000551.4 (MANE Select); coding-DNA position 129, C replaced by T.
Protein change: p.Ser43=; no amino-acid change (serine 43 retained).
Molecular consequence: synonymous variant.
Genome position (GRCh38, 1-based): chr3:10,141,976, C>T. VCF-style: chr3-10141976-C-T. GRCh37 (hg19) VCF-style: chr3-10183660-C-T.
Other names: c.129C>T, p.Ser43= (NM_001354723.2, NM_198156.3).
Identifiers: ClinVar variation 220750 (VCV000220750.16), dbSNP rs864622645, ClinGen allele CA350263.

ClinVar aggregate classification (germline): Benign/Likely benign. Review status: criteria provided, multiple submitters, no conflicts (2 of 4 stars). 3 submissions from 3 submitters: Benign (1); Likely benign (2). Last evaluated 2025-06-10.

Conditions:
Von Hippel-Lindau syndrome (VHLS). Also called: Von Hippel-Lindau; von Hippel–Lindau syndrome; VHL syndrome. Identifiers: Orphanet 892, MedGen C0019562, MONDO:0008667, OMIM 193300. Disease mechanism: loss of function.
Chuvash polycythemia. Also called: POLYCYTHEMIA, VHL-DEPENDENT. Identifiers: Orphanet 238557, MedGen C1837915, MONDO:0009892, OMIM 263400.
Hereditary cancer-predisposing syndrome. Also called: Tumor predisposition; Hereditary neoplastic syndrome; Neoplastic Syndromes, Hereditary; Hereditary Cancer Syndrome. Identifiers: Orphanet 140162, MedGen C0027672, MeSH D009386, MONDO:0015356.

Allele frequency attached by ClinVar (database versions not stated): gnomAD 0.00001.
gnomAD v4.1: 3 of 1,561,350 alleles (0.00019%); highest among the groups gnomAD compares: Admixed American, 0.0019%; no homozygotes.

Submissions (3):

Myriad Genetics, Inc.
Classification: Benign for Von Hippel-Lindau syndrome. Last evaluated: 2025-06-10. Review status: criteria provided, single submitter. Criteria: Myriad Autosomal Dominant, Autosomal Recessive and X-Linked Classification Criteria (2023). Collection method: clinical testing. Allele origin: unknown.
Comment: This variant is considered benign. This variant is a silent/synonymous amino acid change and it is not expected to impact splicing.

Labcorp Genetics (formerly Invitae), Labcorp
Classification: Likely benign for Von Hippel-Lindau syndrome; Chuvash polycythemia. Last evaluated: 2023-08-09. Review status: criteria provided, single submitter. Criteria: Invitae Variant Classification Sherloc (09022015). Collection method: clinical testing. Allele origin: germline.

Ambry Genetics
Classification: Likely benign for Hereditary cancer-predisposing syndrome. Last evaluated: 2019-09-04. Review status: criteria provided, single submitter. Criteria: Ambry Variant Classification Scheme 2023. Collection method: clinical testing. Allele origin: germline.